The following is an entry in ClinVar:

ClinVar aggregate classification (germline): not provided (0 of 4 stars; one submission).

Conditions:
Gestational diabetes mellitus uncontrolled. Identifiers: MedGen C3532257.

Submission:

Institute of Molecular and Cell Biology, University of Tartu
No classification provided. Condition: Gestational diabetes mellitus uncontrolled. Review status: no classification provided. Collection method: case-control. Allele origin: unknown. Affected: yes. Study: Kasak2014.
Comment: The study aimed to determine the contribution of copy number variants in the genetic etiology of normal and complicated pregnancies. The samples represented (i) maternal blood DNA drawn from healthy pregnant women during 1st or 2nd trimester and (ii) maternal and paternal blood DNA drawn at term pregnancy cases representing normal and complicated gestations (severe preeclampsia, PE; gestational diabetes, GD; small-for-gestational age newborn, SGA; large-for-gestational age newborn, LGA). We performed CNV calling based on genome-wide genotyping dataset (Illumina HumanOmniExpress-24-v1 BeadChip) by applying three algorithms, QuantiSNP, GADA (Genome Alteration Detection Algorithm) and CNstream in parallel. The acquired CNV calls were merged with HD-CNV (Hotspot Detector for Copy Number Variants) program and only the CNVs predicted by at least two programs, were considered in subsequent analysis.

Literature cited by the submitters: PubMed 25666259.

Single allele

Variant type: Deletion.
Identifiers: ClinVar variation 156930 (VCV000156930.2).